The following is an entry in ClinVar:

ClinVar aggregate classification (germline): Uncertain significance. Review status: criteria provided, multiple submitters, no conflicts (2 of 4 stars). 2 submissions from 2 submitters: Uncertain significance (2). Last evaluated 2023-11-17.

Conditions:
Cardiovascular phenotype. Identifiers: MedGen CN230736.

Allele frequency attached by ClinVar (database versions not stated): TOPMed 0.00001; ExAC 0.00002; gnomAD 0.00002; ESP Exome Variant Server 0.00008.
gnomAD v4.1: 5 of 1,613,976 alleles (0.00031%); highest among the groups gnomAD compares: African/African-American, 0.0067%; no homozygotes.

Submissions (2):

Ambry Genetics
Classification: Uncertain significance for Cardiovascular phenotype. Last evaluated: 2023-11-17. Review status: criteria provided, single submitter. Criteria: Ambry Variant Classification Scheme 2023. Collection method: clinical testing. Allele origin: germline.
Comment: The p.P174H variant (also known as c.521C>A), located in coding exon 1 of the LOX gene, results from a C to A substitution at nucleotide position 521. The proline at codon 174 is replaced by histidine, an amino acid with similar properties. This amino acid position is conserved. In addition, the in silico prediction for this alteration is inconclusive. Since supporting evidence is limited at this time, the clinical significance of this alteration remains unclear.

Labcorp Genetics (formerly Invitae), Labcorp
Classification: Uncertain significance. Last evaluated: 2022-03-05. Review status: criteria provided, single submitter. Criteria: Invitae Variant Classification Sherloc (09022015). Collection method: clinical testing. Allele origin: germline.
Comment: In summary, the available evidence is currently insufficient to determine the role of this variant in disease. Therefore, it has been classified as a Variant of Uncertain Significance. Algorithms developed to predict the effect of missense changes on protein structure and function are either unavailable or do not agree on the potential impact of this missense change (SIFT: "Not Available"; PolyPhen-2: "Probably Damaging"; Align-GVGD: "Not Available"). This variant has not been reported in the literature in individuals affected with LOX-related conditions. This variant is present in population databases (rs369582946, gnomAD 0.01%). This sequence change replaces proline, which is neutral and non-polar, with histidine, which is basic and polar, at codon 174 of the LOX protein (p.Pro174His).

NM_002317.7(LOX):c.521C>A (p.Pro174His)

Genes: LOX (lysyl oxidase; minus strand), SRFBP1 (serum response factor binding protein 1; plus strand). Cytogenetic location: 5q23.1.
Variant type: single nucleotide variant.
Coding change: c.521C>A on transcript NM_002317.7 (MANE Select); coding-DNA position 521, C replaced by A.
Protein change: p.Pro174His; replaces proline 174 with histidine.
Molecular consequence: missense variant.
Genome position (GRCh38, 1-based): chr5:122,077,465, G>T on the plus strand (C>A on the coding strand, the complement: LOX is on the minus strand). VCF-style: chr5-122077465-G-T. GRCh37 (hg19) VCF-style: chr5-121413160-G-T.
Other names: short protein forms P174H.
Identifiers: ClinVar variation 1746146 (VCV001746146.7), dbSNP rs369582946, ClinGen allele CA3384014.